The following is an entry in ClinVar:

ClinVar aggregate classification (germline): Uncertain significance (1 of 4 stars; one submission).

Conditions:
Dyskeratosis congenita. Identifiers: Orphanet 1775, MedGen C0265965, MONDO:0015780.

gnomAD v4.1: 1 of 1,590,318 alleles (0.000063%); no homozygotes.

Submission:

Ambry Genetics
Classification: Uncertain significance for Dyskeratosis congenita. Last evaluated: 2024-10-14. Review status: criteria provided, single submitter. Criteria: Ambry Variant Classification Scheme 2023. Collection method: clinical testing. Allele origin: germline.
Comment: The p.A190D variant (also known as c.569C>A), located in coding exon 2 of the TERT gene, results from a C to A substitution at nucleotide position 569. The alanine at codon 190 is replaced by aspartic acid, an amino acid with dissimilar properties. This amino acid position is conserved. In addition, this alteration is predicted to be tolerated by in silico analysis. Based on the available evidence, the clinical significance of this variant remains unclear.

NM_198253.3(TERT):c.569C>A (p.Ala190Asp)

Gene: TERT (telomerase reverse transcriptase; minus strand). Cytogenetic location: 5p15.33.
Variant type: single nucleotide variant.
Coding change: c.569C>A on transcript NM_198253.3 (MANE Select); coding-DNA position 569, C replaced by A.
Protein change: p.Ala190Asp; replaces alanine 190 with aspartic acid.
Molecular consequence: missense variant. On other transcripts: non-coding transcript variant (2).
Genome position (GRCh38, 1-based): chr5:1,294,317, G>T on the plus strand (C>A on the coding strand, the complement: TERT is on the minus strand). VCF-style: chr5-1294317-G-T. GRCh37 (hg19) VCF-style: chr5-1294432-G-T.
Other names: c.569C>A, p.Ala190Asp (NM_001193376.3, NM_003219.1); short protein forms A190D.
Identifiers: ClinVar variation 2540070 (VCV002540070.3), dbSNP rs781435225, ClinGen allele CA359057429.
Genomic context (GRCh38, chr5:1,294,317, plus strand): 5'-GCCTCCCTGACGCTATGGTTCCAGGCCCGTTCGCATCCCAGACGCCTTCGGGGTCCACTA[G>T]CGTGTGGCGGGGGCCGGGCCTGAGTGGCAGCGCCGAGCTGGTACAGCGGCGGCCCGCACA-3'
Protein context (NP_937983.2, residues 180-200): AATQARPPPH[Ala190Asp]SGPRRRLGCE